The following is an entry in ClinVar:

NM_000179.3(MSH6):c.3039G>C (p.Lys1013Asn)

Gene: MSH6 (mutS homolog 6; plus strand). Cytogenetic location: 2p16.3.
Variant type: single nucleotide variant.
Coding change: c.3039G>C on transcript NM_000179.3 (MANE Select); coding-DNA position 3039, G replaced by C.
Protein change: p.Lys1013Asn; replaces lysine 1013 with asparagine.
Molecular consequence: missense variant.
Genome position (GRCh38, 1-based): chr2:47,801,022, G>C. VCF-style: chr2-47801022-G-C. GRCh37 (hg19) VCF-style: chr2-48028161-G-C.
Other names: c.2649G>C, p.Lys883Asn (NM_001281492.2); c.2133G>C, p.Lys711Asn (NM_001281493.2, NM_001281494.2); short protein forms K1013N, K883N, K711N.
Identifiers: ClinVar variation 483863 (VCV000483863.6), dbSNP rs1060502920, ClinGen allele CA346756479.

ClinVar aggregate classification (germline): Uncertain significance. Review status: criteria provided, multiple submitters, no conflicts (2 of 4 stars). 2 submissions from 2 submitters: Uncertain significance (2). Last evaluated 2025-10-26.

Conditions:
Hereditary cancer-predisposing syndrome. Also called: Neoplastic Syndromes, Hereditary; Tumor predisposition; Hereditary Cancer Syndrome; Hereditary neoplastic syndrome. Identifiers: Orphanet 140162, MedGen C0027672, MeSH D009386, MONDO:0015356.
Hereditary nonpolyposis colorectal neoplasms. Identifiers: MedGen C0009405, MeSH D003123.

Submissions (2):

Labcorp Genetics (formerly Invitae), Labcorp
Classification: Uncertain significance for Hereditary nonpolyposis colorectal neoplasms. Last evaluated: 2025-10-26. Review status: criteria provided, single submitter. Criteria: Invitae Variant Classification Sherloc (09022015). Collection method: clinical testing. Allele origin: germline.
Comment: This sequence change replaces lysine, which is basic and polar, with asparagine, which is neutral and polar, at codon 1013 of the MSH6 protein (p.Lys1013Asn). This variant is not present in population databases (gnomAD no frequency). This variant has not been reported in the literature in individuals affected with MSH6-related conditions. ClinVar contains an entry for this variant (Variation ID: 483863). Invitae Evidence Modeling of protein sequence and biophysical properties (such as structural, functional, and spatial information, amino acid conservation, physicochemical variation, residue mobility, and thermodynamic stability) indicates that this missense variant is not expected to disrupt MSH6 protein function with a negative predictive value of 95%. In summary, the available evidence is currently insufficient to determine the role of this variant in disease. Therefore, it has been classified as a Variant of Uncertain Significance.

Ambry Genetics
Classification: Uncertain significance for Hereditary cancer-predisposing syndrome. Last evaluated: 2021-02-01. Review status: criteria provided, single submitter. Criteria: Ambry Variant Classification Scheme 2023. Collection method: clinical testing. Allele origin: germline.
Comment: The p.K1013N variant (also known as c.3039G>C), located in coding exon 4 of the MSH6 gene, results from a G to C substitution at nucleotide position 3039. The lysine at codon 1013 is replaced by asparagine, an amino acid with similar properties. This amino acid position is not well conserved in available vertebrate species. In addition, this alteration is predicted to be tolerated by in silico analysis. Since supporting evidence is limited at this time, the clinical significance of this alteration remains unclear.